The following is an entry in ClinVar:

NM_000057.4(BLM):c.1680_1691del (p.Phe561_Asp564del)

Gene: BLM (BLM RecQ like helicase; plus strand). Cytogenetic location: 15q26.1.
Variant type: Deletion.
Coding change: c.1680_1691del on transcript NM_000057.4 (MANE Select); coding-DNA positions 1680 to 1691, 12 bases deleted (CTTTGATGATGA).
Protein change: p.Phe561_Asp564del.
Molecular consequence: inframe deletion.
Genome position (GRCh38, 1-based): chr15:90,761,053-90,761,064, CTTTGATGATGA deleted; deleting any 12 consecutive bases within chr15:90,761,048-90,761,064 gives the same sequence; the c. name uses the placement nearest the transcript's 3' end. VCF-style (leftmost placement, unchanged base first): chr15-90761047-AGATGACTTTGAT-A. GRCh37 (hg19) VCF-style: chr15-91304277-AGATGACTTTGAT-A.
Other names: c.1680_1691del, p.Phe561_Asp564del (NM_001287246.2, NM_001287247.2); c.555_566del, p.Phe186_Asp189del (NM_001287248.2).
Identifiers: ClinVar variation 2904733 (VCV002904733.3), dbSNP rs2505427948, ClinGen allele CA2739269733.

ClinVar aggregate classification (germline): Uncertain significance (1 of 4 stars; one submission).

Conditions:
Bloom syndrome (BLM). Also called: Bloom-Torre-Machacek syndrome. Identifiers: Orphanet 125, MedGen C0005859, MONDO:0008876, OMIM 210900.

Submission:

Labcorp Genetics (formerly Invitae), Labcorp
Classification: Uncertain significance for Bloom syndrome. Last evaluated: 2023-02-09. Review status: criteria provided, single submitter. Criteria: Invitae Variant Classification Sherloc (09022015). Collection method: clinical testing. Allele origin: germline.
Comment: This variant has not been reported in the literature in individuals affected with BLM-related conditions. Experimental studies and prediction algorithms are not available or were not evaluated, and the functional significance of this variant is currently unknown. In summary, the available evidence is currently insufficient to determine the role of this variant in disease. Therefore, it has been classified as a Variant of Uncertain Significance. This variant is not present in population databases (gnomAD no frequency). This variant, c.1680_1691del, results in the deletion of 4 amino acid(s) of the BLM protein (p.Phe561_Asp564del), but otherwise preserves the integrity of the reading frame.